The following is an entry in ClinVar:

NM_018192.4(P3H2):c.464A>G (p.Gln155Arg)

Gene: P3H2 (prolyl 3-hydroxylase 2; minus strand). Cytogenetic location: 3q28.
Variant type: single nucleotide variant.
Coding change: c.464A>G on transcript NM_018192.4 (MANE Select); coding-DNA position 464, A replaced by G.
Protein change: p.Gln155Arg; replaces glutamine 155 with arginine.
Molecular consequence: missense variant. On other transcripts: intron variant (1).
Genome position (GRCh38, 1-based): chr3:190,120,268, T>C on the plus strand (A>G on the coding strand, the complement: P3H2 is on the minus strand). VCF-style: chr3-190120268-T-C. GRCh37 (hg19) VCF-style: chr3-189838057-T-C.
Other names: c.-64+1935A>G (NM_001134418.2); short protein forms Q155R.
Identifiers: ClinVar variation 1055727 (VCV001055727.5), dbSNP rs2108531343, ClinGen allele CA355859424.

ClinVar aggregate classification (germline): Uncertain significance (1 of 4 stars; one submission).

Submission:

Labcorp Genetics (formerly Invitae), Labcorp
Classification: Uncertain significance. Last evaluated: 2020-06-24. Review status: criteria provided, single submitter. Criteria: Invitae Variant Classification Sherloc (09022015). Collection method: clinical testing. Allele origin: germline.
Comment: In summary, the available evidence is currently insufficient to determine the role of this variant in disease. Therefore, it has been classified as a Variant of Uncertain Significance. Algorithms developed to predict the effect of missense changes on protein structure and function are either unavailable or do not agree on the potential impact of this missense change (SIFT: "Tolerated"; PolyPhen-2: "Probably Damaging"; Align-GVGD: "Class C0"). This variant has not been reported in the literature in individuals with P3H2-related conditions. This variant is not present in population databases (ExAC no frequency). This sequence change replaces glutamine with arginine at codon 155 of the P3H2 protein (p.Gln155Arg). The glutamine residue is moderately conserved and there is a small physicochemical difference between glutamine and arginine.